The following is an entry in ClinVar:

NM_002439.5(MSH3):c.2363A>C (p.Asn788Thr)

Gene: MSH3 (mutS homolog 3; plus strand). Cytogenetic location: 5q14.1.
Variant type: single nucleotide variant.
Coding change: c.2363A>C on transcript NM_002439.5 (MANE Select); coding-DNA position 2363, A replaced by C.
Protein change: p.Asn788Thr; replaces asparagine 788 with threonine.
Molecular consequence: missense variant.
Genome position (GRCh38, 1-based): chr5:80,778,764, A>C. VCF-style: chr5-80778764-A-C. GRCh37 (hg19) VCF-style: chr5-80074583-A-C.
Other names: short protein forms N788T.
Identifiers: ClinVar variation 1056658 (VCV001056658.13), dbSNP rs770656132, ClinGen allele CA121328148.

ClinVar aggregate classification (germline): Uncertain significance. Review status: criteria provided, multiple submitters, no conflicts (2 of 4 stars). 2 submissions from 2 submitters: Uncertain significance (2). Last evaluated 2025-11-23.

Conditions:
Hereditary cancer-predisposing syndrome. Also called: Hereditary Cancer Syndrome; Tumor predisposition; Hereditary neoplastic syndrome; Neoplastic Syndromes, Hereditary. Identifiers: Orphanet 140162, MedGen C0027672, MeSH D009386, MONDO:0015356.

Allele frequency attached by ClinVar (database versions not stated): TOPMed below 0.00001; gnomAD 0.00001; gnomAD exomes 0.00002.
gnomAD v4.1: 21 of 1,613,382 alleles (0.0013%); highest among the groups gnomAD compares: Non-Finnish European, 0.0018%; no homozygotes.

Submissions (2):

Labcorp Genetics (formerly Invitae), Labcorp
Classification: Uncertain significance. Last evaluated: 2025-11-23. Review status: criteria provided, single submitter. Criteria: Invitae Variant Classification Sherloc (09022015). Collection method: clinical testing. Allele origin: germline.
Comment: This sequence change replaces asparagine, which is neutral and polar, with threonine, which is neutral and polar, at codon 788 of the MSH3 protein (p.Asn788Thr). This variant is present in population databases (rs770656132, gnomAD 0.007%). This variant has not been reported in the literature in individuals affected with MSH3-related conditions. ClinVar contains an entry for this variant (Variation ID: 1056658). An algorithm developed to predict the effect of missense changes on protein structure and function (PolyPhen-2) suggests that this variant is likely to be tolerated. In summary, the available evidence is currently insufficient to determine the role of this variant in disease. Therefore, it has been classified as a Variant of Uncertain Significance.

Ambry Genetics
Classification: Uncertain significance for Hereditary cancer-predisposing syndrome. Last evaluated: 2025-01-27. Review status: criteria provided, single submitter. Criteria: Ambry Variant Classification Scheme 2023. Collection method: clinical testing. Allele origin: germline.
Comment: The p.N788T variant (also known as c.2363A>C), located in coding exon 17 of the MSH3 gene, results from an A to C substitution at nucleotide position 2363. The asparagine at codon 788 is replaced by threonine, an amino acid with similar properties. This amino acid position is well conserved in available vertebrate species. In addition, this alteration is predicted to be tolerated by in silico analysis. Since supporting evidence is limited at this time, the clinical significance of this alteration remains unclear.